The following is an entry in ClinVar:

NM_001384900.1(SEMA3D):c.1340A>G (p.Tyr447Cys)

Gene: SEMA3D (semaphorin 3D; minus strand). Cytogenetic location: 7q21.11.
Variant type: single nucleotide variant.
Coding change: c.1340A>G on transcript NM_001384900.1 (MANE Select); coding-DNA position 1340, A replaced by G.
Protein change: p.Tyr447Cys; replaces tyrosine 447 with cysteine.
Molecular consequence: missense variant.
Genome position (GRCh38, 1-based): chr7:85,022,465, T>C on the plus strand (A>G on the coding strand, the complement: SEMA3D is on the minus strand). VCF-style: chr7-85022465-T-C. GRCh37 (hg19) VCF-style: chr7-84651781-T-C.
Other names: c.1340A>G, p.Tyr447Cys (NM_001384901.1, NM_001384902.1, NM_001384903.1 and 1 more transcripts); short protein forms Y447C.
Identifiers: ClinVar variation 5002183 (VCV005002183.1).

ClinVar aggregate classification (germline): Uncertain significance (1 of 4 stars; one submission).

Conditions:
SEMA3D-related disorder. Also called: SEMA3D-related condition.

gnomAD v4.1: 1 of 1,612,504 alleles (0.000062%); highest among the groups gnomAD compares: Non-Finnish European, 0.000085%; no homozygotes.

Submission:

PreventionGenetics, part of Exact Sciences
Classification: Uncertain significance for SEMA3D-related condition. Last evaluated: 2025-03-13. Review status: criteria provided, single submitter. Criteria: ACMG Guidelines, 2015. Collection method: clinical testing. Allele origin: germline.
Comment: The SEMA3D c.1340A>G variant is predicted to result in the amino acid substitution p.Tyr447Cys. To our knowledge, this variant has not been reported in the literature or in a large population database (gnomAD), indicating this variant is rare. At this time, the clinical significance of this variant is uncertain due to the absence of conclusive functional and genetic evidence.